The following is an entry in ClinVar:

NM_003640.5(ELP1):c.3872C>G (p.Ser1291Cys)

Gene: ELP1 (elongator acetyltransferase complex subunit 1; minus strand). Cytogenetic location: 9q31.3.
Variant type: single nucleotide variant.
Coding change: c.3872C>G on transcript NM_003640.5 (MANE Select); coding-DNA position 3872, C replaced by G.
Protein change: p.Ser1291Cys; replaces serine 1291 with cysteine.
Molecular consequence: missense variant.
Genome position (GRCh38, 1-based): chr9:108,874,954, G>C on the plus strand (C>G on the coding strand, the complement: ELP1 is on the minus strand). VCF-style: chr9-108874954-G-C. GRCh37 (hg19) VCF-style: chr9-111637234-G-C.
Other names: c.3530C>G, p.Ser1177Cys (NM_001318360.2); c.2825C>G, p.Ser942Cys (NM_001330749.2); short protein forms S942C, S1291C, S1177C.
Identifiers: ClinVar variation 842817 (VCV000842817.9), dbSNP rs1827646757, ClinGen allele CA374410470.

ClinVar aggregate classification (germline): Uncertain significance (1 of 4 stars; one submission).

Submission:

Labcorp Genetics (formerly Invitae), Labcorp
Classification: Uncertain significance. Last evaluated: 2019-04-10. Review status: criteria provided, single submitter. Criteria: Invitae Variant Classification Sherloc (09022015). Collection method: clinical testing. Allele origin: germline.
Comment: This sequence change replaces serine with cysteine at codon 1291 of the ELP1 protein (p.Ser1291Cys). The serine residue is moderately conserved and there is a moderate physicochemical difference between serine and cysteine. This variant has not been reported in the literature in individuals with ELP1-related conditions. Algorithms developed to predict the effect of missense changes on protein structure and function are either unavailable or do not agree on the potential impact of this missense change (SIFT: "Deleterious"; PolyPhen-2: "Probably Damaging"; Align-GVGD: "Class C0"). This variant is not present in population databases (ExAC no frequency). In summary, the available evidence is currently insufficient to determine the role of this variant in disease. Therefore, it has been classified as a Variant of Uncertain Significance.